The following is an entry in ClinVar:

NM_198407.2(GHSR):c.1072G>A (p.Ala358Thr)

Gene: GHSR (growth hormone secretagogue receptor; minus strand). Cytogenetic location: 3q26.31.
Variant type: single nucleotide variant.
Coding change: c.1072G>A on transcript NM_198407.2 (MANE Select); coding-DNA position 1072, G replaced by A.
Protein change: p.Ala358Thr; replaces alanine 358 with threonine.
Molecular consequence: missense variant.
Genome position (GRCh38, 1-based): chr3:172,445,190, C>T on the plus strand (G>A on the coding strand, the complement: GHSR is on the minus strand). VCF-style: chr3-172445190-C-T. GRCh37 (hg19) VCF-style: chr3-172162980-C-T.
Other names: short protein forms A358T.
Identifiers: ClinVar variation 1033260 (VCV001033260.13), dbSNP rs150344113, ClinGen allele CA2706300.

ClinVar aggregate classification (germline): Conflicting classifications of pathogenicity. Review status: criteria provided, conflicting classifications (1 of 4 stars). 5 submissions from 5 submitters: Uncertain significance (2); Benign (1); Likely benign (1). 1 of the submissions does not count toward it. Last evaluated 2026-05-27.

Conditions:
Short stature due to growth hormone secretagogue receptor deficiency (GHDP). Also called: Short stature due to GHSR deficiency. Identifiers: Orphanet 314811, MedGen C5887324, MONDO:0014403, OMIM 615925.
GHSR-related disorder. Also called: GHSR-related condition.

Allele frequency attached by ClinVar (database versions not stated): 1000 Genomes Project 30x 0.00062; gnomAD exomes 0.00042 and 0.00020; ESP Exome Variant Server 0.00284; 1000 Genomes Project 0.00060; ExAC 0.00061; TOPMed 0.00247.
gnomAD v4.1: 610 of 1,614,104 alleles (0.038%); highest among the groups gnomAD compares: African/African-American, 0.75%; 2 homozygotes.

Submissions (5):

GeneDx
Classification: Uncertain significance. Last evaluated: 2026-05-27. Review status: criteria provided, single submitter. Criteria: GeneDx Variant Classification Process June 2021. Collection method: clinical testing. Allele origin: germline.
Comment: In silico analysis suggests that this missense variant does not alter protein structure/function; This variant is associated with the following publications: (PMID: 23652389, 34091447, 31726455, 21646290, 40924640, 25557026)

Labcorp Genetics (formerly Invitae), Labcorp
Classification: Benign. Last evaluated: 2026-01-08. Review status: criteria provided, single submitter. Criteria: Invitae Variant Classification Sherloc (09022015). Collection method: clinical testing. Allele origin: germline.

Women's Health and Genetics/Laboratory Corporation of America, LabCorp
Classification: Likely benign. Last evaluated: 2024-09-25. Review status: criteria provided, single submitter. Criteria: LabCorp Variant Classification Summary - May 2015. Collection method: clinical testing. Allele origin: germline.
Comment: Variant summary: GHSR c.1072G>A (p.Ala358Thr) results in a non-conservative amino acid change in the encoded protein sequence. Three of five in-silico tools predict a benign effect of the variant on protein function. The variant allele was found at a frequency of 0.00042 in 251210 control chromosomes, predominantly at a frequency of 0.006 within the African or African-American subpopulation in the gnomAD database. The observed variant frequency within African or African-American control individuals in the gnomAD database exceeds the estimated maximal expected allele frequency for a pathogenic variant in GHSR causing Short Stature Due To Growth Hormone Secretagogue Receptor Deficiency phenotype. c.1072G>A has been reported in the literature in one individual affected with Constitutional Delay of Growth and Puberty, without strong evidence for causality (example, Barroso_2019). These report(s) do not provide unequivocal conclusions about association of the variant with Short Stature Due To Growth Hormone Secretagogue Receptor Deficiency. At least one publication reports experimental evidence evaluating an impact on protein function. These results showed no damaging effect of this variant (Pugliese-Pires_2011). The following publications have been ascertained in the context of this evaluation (PMID: 31726455, 21646290). ClinVar contains an entry for this variant (Variation ID: 1033260). Based on the evidence outlined above, the variant was classified as likely benign.

Baylor Genetics
Classification: Uncertain significance for Short stature due to growth hormone secretagogue receptor deficiency. Last evaluated: 2018-07-30. Review status: criteria provided, single submitter. Criteria: ACMG Guidelines, 2015. Collection method: clinical testing. Allele origin: maternal. Affected: yes.
Comment: This variant was determined to be of uncertain significance according to ACMG Guidelines, 2015 [PMID:25741868].

PreventionGenetics, part of Exact Sciences
Classification: Likely benign for GHSR-related condition. Last evaluated: 2020-03-12. Review status: no assertion criteria provided. Collection method: clinical testing. Allele origin: germline. Not counted in ClinVar's aggregate classification.
Comment: This variant is classified as likely benign based on ACMG/AMP sequence variant interpretation guidelines (Richards et al. 2015 PMID: 25741868, with internal and published modifications).

Literature cited by the submitters: PubMed 31726455 (cited by Women's Health and Genetics/Laboratory Corporation of America, LabCorp); PubMed 21646290 (cited by Women's Health and Genetics/Laboratory Corporation of America, LabCorp).